The following is an entry in ClinVar:

ClinVar aggregate classification (germline): Uncertain significance. Review status: criteria provided, multiple submitters, no conflicts (2 of 4 stars). 2 submissions from 2 submitters: Uncertain significance (2). Last evaluated 2025-10-29.

Conditions:
Hereditary cancer-predisposing syndrome. Also called: Tumor predisposition; Hereditary Cancer Syndrome; Hereditary neoplastic syndrome; Neoplastic Syndromes, Hereditary. Identifiers: Orphanet 140162, MedGen C0027672, MeSH D009386, MONDO:0015356.

Submissions (2):

Ambry Genetics
Classification: Uncertain significance for Hereditary cancer-predisposing syndrome. Last evaluated: 2025-10-29. Review status: criteria provided, single submitter. Criteria: Ambry Variant Classification Scheme 2023. Collection method: clinical testing. Allele origin: germline.
Comment: The p.V416M variant (also known as c.1246G>A), located in coding exon 9 of the FH gene, results from a G to A substitution at nucleotide position 1246. The valine at codon 416 is replaced by methionine, an amino acid with highly similar properties. This amino acid position is conserved. In addition, this alteration is predicted to be deleterious by in silico analysis. Based on the available evidence, the clinical significance of this variant remains unclear.

Labcorp Genetics (formerly Invitae), Labcorp
Classification: Uncertain significance. Last evaluated: 2022-11-03. Review status: criteria provided, single submitter. Criteria: Invitae Variant Classification Sherloc (09022015). Collection method: clinical testing. Allele origin: germline.
Comment: This sequence change replaces valine, which is neutral and non-polar, with methionine, which is neutral and non-polar, at codon 416 of the FH protein (p.Val416Met). This variant is not present in population databases (gnomAD no frequency). This variant has not been reported in the literature in individuals affected with FH-related conditions. Advanced modeling of protein sequence and biophysical properties (such as structural, functional, and spatial information, amino acid conservation, physicochemical variation, residue mobility, and thermodynamic stability) has been performed at Invitae for this missense variant, however the output from this modeling did not meet the statistical confidence thresholds required to predict the impact of this variant on FH protein function. In summary, the available evidence is currently insufficient to determine the role of this variant in disease. Therefore, it has been classified as a Variant of Uncertain Significance.

NM_000143.4(FH):c.1246G>A (p.Val416Met)

Gene: FH (fumarate hydratase; minus strand). Cytogenetic location: 1q43.
Variant type: single nucleotide variant.
Coding change: c.1246G>A on transcript NM_000143.4 (MANE Select); coding-DNA position 1246, G replaced by A.
Protein change: p.Val416Met; replaces valine 416 with methionine.
Molecular consequence: missense variant.
Genome position (GRCh38, 1-based): chr1:241,500,581, C>T on the plus strand (G>A on the coding strand, the complement: FH is on the minus strand). VCF-style: chr1-241500581-C-T. GRCh37 (hg19) VCF-style: chr1-241663881-C-T.
Other names: short protein forms V416M.
Identifiers: ClinVar variation 2811880 (VCV002811880.4), dbSNP rs2147913372, ClinGen allele CA345436922.